The following is an entry in ClinVar:

NM_000091.5:c.(2881+1_2882-1)_(3070+1_3071-1)del

Gene: COL4A3 (collagen type IV alpha 3 chain; plus strand).
Variant type: Deletion.
Other names: c.(2881+1_2882-1)_(3070+1_3071-1)del (NM_000091.5).
Identifiers: ClinVar variation 4853845 (VCV004853845.1).

ClinVar aggregate classification (germline): Pathogenic (1 of 4 stars; one submission).

Conditions:
Hematuria, benign familial, 2 (BFH2). Identifiers: MedGen C5830421, MONDO:0958186, OMIM 620320.

Submission:

Centre de Génétique Humaine, Institut de Pathologie Et de Génétique
Classification: Pathogenic for Hematuria, benign familial, 2. Last evaluated: 2026-02-18. Review status: criteria provided, single submitter. Criteria: ACMG Guidelines, 2015. Collection method: clinical testing. Allele origin: germline. Inheritance: Autosomal dominant inheritance. Affected: yes. Observed: 1 variant allele, 1 heterozygote. Segregation with disease not observed.
Comment: Intragenic deletion of coding region (2 exons) (2E: 0.9) in a patient with specific phenotype consistent with the gene, but the inheritance of the variant is unknown (5G:0.15)

Literature cited by the submitters: PubMed 40949880.